The following is an entry in ClinVar:

NM_152296.5(ATP1A3):c.1606G>A (p.Gly536Ser)

Gene: ATP1A3 (ATPase Na+/K+ transporting subunit alpha 3; minus strand). Cytogenetic location: 19q13.2.
Variant type: single nucleotide variant.
Coding change: c.1606G>A on transcript NM_152296.5 (MANE Select); coding-DNA position 1606, G replaced by A.
Protein change: p.Gly536Ser; replaces glycine 536 with serine.
Molecular consequence: missense variant.
Genome position (GRCh38, 1-based): chr19:41,978,630, C>T on the plus strand (G>A on the coding strand, the complement: ATP1A3 is on the minus strand). VCF-style: chr19-41978630-C-T. GRCh37 (hg19) VCF-style: chr19-42482782-C-T.
Other names: c.1639G>A, p.Gly547Ser (NM_001256213.2); c.1645G>A, p.Gly549Ser (NM_001256214.2); c.1645G>A (NM_001256214.1); short protein forms G536S, G549S, G547S.
Identifiers: ClinVar variation 2247530 (VCV002247530.5), dbSNP rs1555862300, ClinGen allele CA406046448.

ClinVar aggregate classification (germline): Uncertain significance. Review status: criteria provided, multiple submitters, no conflicts (2 of 4 stars). 3 submissions from 3 submitters: Uncertain significance (3). Last evaluated 2025-10-08.

Conditions:
ATP1A3-related disorder. Also called: ATP1A3-related condition; ATP1A3-related disorders. Identifiers: MedGen CN381097.
Dystonia 12 (DYT12). Also called: Rapid-Onset Dystonia-Parkinsonism (RDP); DYT-ATP1A3. Identifiers: Orphanet 71517, MedGen C1868681, MONDO:0007496, OMIM 128235.
Inborn genetic diseases. Identifiers: MedGen C0950123, MeSH D030342.

Submissions (3):

PreventionGenetics, part of Exact Sciences
Classification: Uncertain significance for ATP1A3-related condition. Last evaluated: 2025-10-08. Review status: criteria provided, single submitter. Criteria: ACMG Guidelines, 2015. Collection method: clinical testing. Allele origin: germline.
Comment: The ATP1A3 c.1645G>A variant is predicted to result in the amino acid substitution p.Gly549Ser. To our knowledge, this variant has not been reported in the literature or in a large population database (gnomAD). At this time, the clinical significance of this variant is uncertain due to the absence of conclusive functional and genetic evidence.

Labcorp Genetics (formerly Invitae), Labcorp
Classification: Uncertain significance for Dystonia 12. Last evaluated: 2025-01-30. Review status: criteria provided, single submitter. Criteria: Invitae Variant Classification Sherloc (09022015). Collection method: clinical testing. Allele origin: germline.
Comment: This sequence change replaces glycine, which is neutral and non-polar, with serine, which is neutral and polar, at codon 536 of the ATP1A3 protein (p.Gly536Ser). This variant is not present in population databases (gnomAD no frequency). This variant has not been reported in the literature in individuals affected with ATP1A3-related conditions. ClinVar contains an entry for this variant (Variation ID: 2247530). Invitae Evidence Modeling of protein sequence and biophysical properties (such as structural, functional, and spatial information, amino acid conservation, physicochemical variation, residue mobility, and thermodynamic stability) indicates that this missense variant is expected to disrupt ATP1A3 protein function with a positive predictive value of 95%. In summary, the available evidence is currently insufficient to determine the role of this variant in disease. Therefore, it has been classified as a Variant of Uncertain Significance.

Ambry Genetics
Classification: Uncertain significance for Inborn genetic diseases. Last evaluated: 2021-08-30. Review status: criteria provided, single submitter. Criteria: Ambry Variant Classification Scheme 2023. Collection method: clinical testing. Allele origin: germline.